The following is an entry in ClinVar:

NM_015047.3(EMC1):c.577C>G (p.Pro193Ala)

Gene: EMC1 (ER membrane protein complex subunit 1; minus strand). Cytogenetic location: 1p36.13.
Variant type: single nucleotide variant.
Coding change: c.577C>G on transcript NM_015047.3 (MANE Select); coding-DNA position 577, C replaced by G.
Protein change: p.Pro193Ala; replaces proline 193 with alanine.
Molecular consequence: missense variant.
Genome position (GRCh38, 1-based): chr1:19,241,075, G>C on the plus strand (C>G on the coding strand, the complement: EMC1 is on the minus strand). VCF-style: chr1-19241075-G-C. GRCh37 (hg19) VCF-style: chr1-19567569-G-C.
Other names: c.577C>G, p.Pro193Ala (NM_001271427.2, NM_001271428.2, NM_001375820.1 and 1 more transcripts); c.511C>G, p.Pro171Ala (NM_001271429.2); c.577C>G (NM_015047.1); short protein forms P171A, P193A.
Identifiers: ClinVar variation 1389579 (VCV001389579.9), dbSNP rs571872104, ClinGen allele CA652854.

ClinVar aggregate classification (germline): Uncertain significance. Review status: criteria provided, multiple submitters, no conflicts (2 of 4 stars). 2 submissions from 2 submitters: Uncertain significance (2). Last evaluated 2025-07-02.

Conditions:
Inborn genetic diseases. Identifiers: MedGen C0950123, MeSH D030342.

Allele frequency attached by ClinVar (database versions not stated): gnomAD exomes 0.00001 and 0.00002; ExAC 0.00002; gnomAD 0.00009; TOPMed 0.00014; 1000 Genomes Project 30x 0.00016; 1000 Genomes Project 0.00020.
gnomAD v4.1: 27 of 1,614,058 alleles (0.0017%); highest among the groups gnomAD compares: Admixed American, 0.033%; no homozygotes.

Submissions (2):

Labcorp Genetics (formerly Invitae), Labcorp
Classification: Uncertain significance. Last evaluated: 2025-07-02. Review status: criteria provided, single submitter. Criteria: Invitae Variant Classification Sherloc (09022015). Collection method: clinical testing. Allele origin: germline.
Comment: This sequence change replaces proline, which is neutral and non-polar, with alanine, which is neutral and non-polar, at codon 193 of the EMC1 protein (p.Pro193Ala). This variant is present in population databases (rs571872104, gnomAD 0.007%). This variant has not been reported in the literature in individuals affected with EMC1-related conditions. ClinVar contains an entry for this variant (Variation ID: 1389579). Invitae Evidence Modeling of protein sequence and biophysical properties (such as structural, functional, and spatial information, amino acid conservation, physicochemical variation, residue mobility, and thermodynamic stability) indicates that this missense variant is not expected to disrupt EMC1 protein function with a negative predictive value of 80%. In summary, the available evidence is currently insufficient to determine the role of this variant in disease. Therefore, it has been classified as a Variant of Uncertain Significance.

Ambry Genetics
Classification: Uncertain significance for Inborn genetic diseases. Last evaluated: 2021-09-14. Review status: criteria provided, single submitter. Criteria: Ambry Variant Classification Scheme 2023. Collection method: clinical testing. Allele origin: germline.